The following is an entry in ClinVar:

NM_000827.4(GRIA1):c.217A>G (p.Arg73Gly)

Gene: GRIA1 (glutamate ionotropic receptor AMPA type subunit 1; plus strand). Cytogenetic location: 5q33.2.
Variant type: single nucleotide variant.
Coding change: c.217A>G on transcript NM_000827.4 (MANE Select); coding-DNA position 217, A replaced by G.
Protein change: p.Arg73Gly; replaces arginine 73 with glycine.
Molecular consequence: missense variant. On other transcripts: 5 prime UTR variant (1), non-coding transcript variant (1).
Genome position (GRCh38, 1-based): chr5:153,494,062, A>G. VCF-style: chr5-153494062-A-G. GRCh37 (hg19) VCF-style: chr5-152873622-A-G.
Other names: c.217A>G, p.Arg73Gly (NM_001114183.2, NM_001258019.2, NM_001364165.2); c.-126A>G (NM_001258020.2); c.247A>G, p.Arg83Gly (NM_001258021.2, NM_001258022.2); c.10A>G, p.Arg4Gly (NM_001258023.1, NM_001364167.2); c.244A>G, p.Arg82Gly (NM_001364166.2); short protein forms R82G, R4G, R73G, R83G.
Identifiers: ClinVar variation 5009754 (VCV005009754.1).
Genomic context (GRCh38, chr5:153,494,062, plus strand): 5'-CCGAAGCTGCTCCCCCAGATTGATATTGTGAACATCAGCGACAGCTTTGAGATGACCTAT[A>G]GATGTAAGTAATTGCTTCTATTTCTGAGATGTCTTTCTGCGCTAGACCAATGAAAGGAGG-3'
Protein context (NP_000818.2, residues 63-83): NISDSFEMTY[Arg73Gly]FCSQFSKGVY

ClinVar aggregate classification (germline): Uncertain significance (1 of 4 stars; one submission).

Submission:

GeneDx
Classification: Uncertain significance. Last evaluated: 2026-02-18. Review status: criteria provided, single submitter. Criteria: GeneDx Variant Classification Process June 2021. Collection method: clinical testing. Allele origin: germline.
Comment: Not observed at significant frequency in large population cohorts (gnomAD); In silico analysis suggests that this missense variant does not alter protein structure/function; Has not been previously published as pathogenic or benign to our knowledge